The following is an entry in ClinVar:

ClinVar aggregate classification (germline): Benign/Likely benign. Review status: criteria provided, multiple submitters, no conflicts (2 of 4 stars). 2 submissions from 2 submitters: Benign (1); Likely benign (1). Last evaluated 2026-01-09.

Conditions:
Developmental and epileptic encephalopathy, 2 (DEE2). Also called: INFANTILE SPASM SYNDROME, X-LINKED 2; CDKL5 deficiency disorder. Identifiers: Orphanet 1934, Orphanet 3451, Orphanet 505652, MedGen C4750718, MONDO:0010396, OMIM 300672.
Angelman syndrome-like. Identifiers: MedGen CN128785.

Allele frequency attached by ClinVar (database versions not stated): TOPMed 0.00003; gnomAD 0.00008 and 0.00006; ExAC 0.00013; ESP Exome Variant Server 0.00009; gnomAD exomes 0.00012; 1000 Genomes Project 0.00026; 1000 Genomes Project 30x 0.00021.
gnomAD v4.1: 67 of 1,209,502 alleles (0.0055%); highest among the groups gnomAD compares: South Asian, 0.086%; no homozygotes.

Submissions (2):

Labcorp Genetics (formerly Invitae), Labcorp
Classification: Benign for Developmental and epileptic encephalopathy, 2; Angelman syndrome-like. Last evaluated: 2026-01-09. Review status: criteria provided, single submitter. Criteria: Invitae Variant Classification Sherloc (09022015). Collection method: clinical testing. Allele origin: germline.

CeGaT Center for Human Genetics Tuebingen
Classification: Likely benign. Last evaluated: 2025-11-01. Review status: criteria provided, single submitter. Criteria: CeGaT Center For Human Genetics Tuebingen Variant Classification Criteria Version 2. Collection method: clinical testing. Allele origin: germline. Affected: yes. Observed: 1 variant allele.
Comment: CDKL5: BS2

NC_000023.11:g.18646008C>T

Genes: CDKL5 (cyclin dependent kinase like 5; plus strand), RS1 (retinoschisin 1; minus strand). Cytogenetic location: Xp22.13.
Variant type: single nucleotide variant.
Molecular consequence: intron variant (on NM_000330.4). On other transcripts: synonymous variant (2).
Genome position: GRCh38 VCF-style: chrX-18646008-C-T. GRCh37 (hg19) VCF-style: chrX-18664128-C-T.
Other names: c.2715C>T, p.Asp905= (NM_001037343.2, NM_003159.3); c.326+1183G>A (NM_000330.4).
Identifiers: ClinVar variation 1650956 (VCV001650956.15), dbSNP rs201714912, ClinGen allele CA10360662.